The following is an entry in ClinVar:

NM_000059.4(BRCA2):c.4288A>G (p.Thr1430Ala)

Gene: BRCA2 (BRCA2 DNA repair associated; plus strand). Cytogenetic location: 13q13.1.
Variant type: single nucleotide variant.
Coding change: c.4288A>G on transcript NM_000059.4 (MANE Select); coding-DNA position 4288, A replaced by G.
Protein change: p.Thr1430Ala; replaces threonine 1430 with alanine.
Molecular consequence: missense variant.
Genome position (GRCh38, 1-based): chr13:32,338,643, A>G. VCF-style: chr13-32338643-A-G. GRCh37 (hg19) VCF-style: chr13-32912780-A-G.
Other names: short protein forms T1430A.
Identifiers: ClinVar variation 495463 (VCV000495463.12), dbSNP rs1555283691, ClinGen allele CA387780645.
Genomic context (GRCh38, chr13:32,338,643, plus strand): 5'-ACTGCTACTAAAACGGAGCAAAATATAAAAGATTTTGAGACTTCTGATACATTTTTTCAG[A>G]CTGCAAGTGGGAAAAATATTAGTGTCGCCAAAGAGTCATTTAATAAAATTGTAAATTTCT-3'
Protein context (NP_000050.3, residues 1420-1440): DFETSDTFFQ[Thr1430Ala]ASGKNISVAK

ClinVar aggregate classification (germline): Conflicting classifications of pathogenicity. Review status: criteria provided, conflicting classifications (1 of 4 stars). 5 submissions from 5 submitters: Uncertain significance (4); Likely benign (1). Last evaluated 2025-01-16.

Conditions:
Hereditary cancer-predisposing syndrome. Also called: Hereditary neoplastic syndrome; Tumor predisposition; Hereditary Cancer Syndrome; Neoplastic Syndromes, Hereditary. Identifiers: Orphanet 140162, MedGen C0027672, MeSH D009386, MONDO:0015356.
Hereditary breast ovarian cancer syndrome. Also called: Hereditary breast and/or ovarian cancer syndrome; BRCA1- and BRCA2-Associated Hereditary Breast and Ovarian Cancer; Breast and ovarian cancer; Hereditary breast and ovarian cancer; Hereditary breast and ovarian cancer syndrome; Hereditary breast and ovarian cancer syndrome (HBOC). Identifiers: Orphanet 145, MedGen C0677776, MeSH D061325, MONDO:0003582. Disease mechanism: loss of function.

Submissions (5):

Quest Diagnostics Nichols Institute San Juan Capistrano
Classification: Uncertain significance. Last evaluated: 2025-01-16. Review status: criteria provided, single submitter. Criteria: Quest Diagnostics criteria. Collection method: clinical testing. Allele origin: unknown.
Comment: The BRCA2 c.4288A>G (p.Thr1430Ala) variant has been reported in the published literature in individuals with breast cancer (PMID: 33471991 (2021), see also LOVD. In vitro functional assays suggested that this variant disrupts BRCA2 interaction with RAD51C (PMIDs: 26992456 (2016), 15937124 (2005), 11239456 (2001)). This variant has not been reported in large, multi-ethnic general populations (Genome Aggregation Database). Analysis of this variant using bioinformatics tools for the prediction of the effect of amino acid changes on protein structure and function yielded conflicting predictions that this variant is benign or damaging. Based on the available information, we are unable to determine the clinical significance of this variant.

University of Washington Department of Laboratory Medicine, University of Washington
Classification: Likely benign for Hereditary cancer-predisposing syndrome. Last evaluated: 2023-03-23. Review status: criteria provided, single submitter. Criteria: Dines et al. (Genet Med. 2020). Collection method: curation. Allele origin: germline.
Comment: Missense variant in a coldspot region where missense variants are very unlikely to be pathogenic (PMID:31911673).

BRCA2 exon 11 coldspot. Reclassification based on statistical prior probability.

Labcorp Genetics (formerly Invitae), Labcorp
Classification: Uncertain significance for Hereditary breast ovarian cancer syndrome. Last evaluated: 2022-02-18. Review status: criteria provided, single submitter. Criteria: Invitae Variant Classification Sherloc (09022015). Collection method: clinical testing. Allele origin: germline.
Comment: This sequence change replaces threonine, which is neutral and polar, with alanine, which is neutral and non-polar, at codon 1430 of the BRCA2 protein (p.Thr1430Ala). This variant is not present in population databases (gnomAD no frequency). This variant has not been reported in the literature in individuals affected with BRCA2-related conditions. ClinVar contains an entry for this variant (Variation ID: 495463). Advanced modeling of protein sequence and biophysical properties (such as structural, functional, and spatial information, amino acid conservation, physicochemical variation, residue mobility, and thermodynamic stability) performed at Invitae indicates that this missense variant is not expected to disrupt BRCA2 protein function. Experimental studies have shown that this missense change affects BRCA2 function (PMID: 11239456, 15937124). In summary, the available evidence is currently insufficient to determine the role of this variant in disease. Therefore, it has been classified as a Variant of Uncertain Significance.

Ambry Genetics
Classification: Uncertain significance for Hereditary cancer-predisposing syndrome. Last evaluated: 2018-07-20. Review status: criteria provided, single submitter. Criteria: Ambry Variant Classification Scheme 2023. Collection method: clinical testing. Allele origin: germline.
Comment: The p.T1430A variant (also known as c.4288A>G), located in coding exon 10 of the BRCA2 gene, results from an A to G substitution at nucleotide position 4288. The threonine at codon 1430 is replaced by alanine, an amino acid with similar properties. This amino acid position is highly conserved in available vertebrate species. In addition, the in silico prediction for this alteration is inconclusive. Since supporting evidence is limited at this time, the clinical significance of this alteration remains unclear.

Women's Health and Genetics/Laboratory Corporation of America, LabCorp
Classification: Uncertain significance. Last evaluated: 2016-08-29. Review status: criteria provided, single submitter. Criteria: LabCorp Variant Classification Summary - May 2015. Collection method: clinical testing. Allele origin: germline.
Comment: Variant summary: The BRCA2 c.4288A>G (p.Thr1430Ala) variant involves the alteration of a conserved nucleotide located in the third BRCA2 repeat domain. 2/3 in silico tools predict a damaging outcome for this variant (SNPs&GO not captured due to low reliability index). This variant is absent in 119436 control chromosomes. The variant has not been reported in affected individuals in the literature or databases, however functional studies suggest the variant to disrupt the interaction of BRCA2 and RAD51 (Davies_2001, Galkin_2005), which may alter HDR activity . Because of the absence of clinical information, the variant is classified as a variant of uncertain significance (VUS) until additional information becomes available.

Literature cited by the submitters: PubMed 31911673 (cited by Quest Diagnostics Nichols Institute San Juan Capistrano); PubMed 15937124 (cited by 3 submitters); PubMed 11239456 (cited by 3 submitters); PubMed 26992456 (cited by Quest Diagnostics Nichols Institute San Juan Capistrano); PubMed 19747923 (cited by Quest Diagnostics Nichols Institute San Juan Capistrano); PubMed 33471991 (cited by Quest Diagnostics Nichols Institute San Juan Capistrano).